The following is an entry in ClinVar:

ClinVar aggregate classification (germline): Benign. Review status: criteria provided, multiple submitters, no conflicts (2 of 4 stars). 2 submissions from 2 submitters: Benign (2). Last evaluated 2024-01-24.

Submissions (2):

Unidad de Genómica Garrahan, Hospital de Pediatría Garrahan
Classification: Benign. Last evaluated: 2024-01-24. Review status: criteria provided, single submitter. Criteria: ACMG Guidelines, 2015. Collection method: clinical testing. Allele origin: germline. Affected: no. Observed: 28 variant alleles.
Comment: This variant is classified as Benign based on local population frequency. This variant was detected in 29% of patients studied by a panel of primary immunodeficiencies. Number of patients: 28. Only high quality variants are reported.

GeneDx
Classification: Benign. Last evaluated: 2020-03-13. Review status: criteria provided, single submitter. Criteria: GeneDx Variant Classification Process June 2021. Collection method: clinical testing. Allele origin: germline. Affected: yes.

NM_014140.4(SMARCAL1):c.862+128del

Gene: SMARCAL1 (SNF2 related chromatin remodeling annealing helicase 1; plus strand). Cytogenetic location: 2q35.
Variant type: Deletion.
Coding change: c.862+128del on transcript NM_014140.4 (MANE Select); 128 bases into the intron after coding-DNA position 862, one base deleted (C; older notation c.862+128delC).
Molecular consequence: intron variant.
Genome position (GRCh38, 1-based): chr2:216,416,435, C deleted; the last of 8 consecutive C bases (chr2:216,416,428-216,416,435); deleting any one gives the same sequence. VCF-style (leftmost placement, unchanged base first): chr2-216416427-AC-A. GRCh37 (hg19) VCF-style: chr2-217281150-AC-A.
Other names: c.862+128del (NM_001127207.2).
Identifiers: ClinVar variation 1253976 (VCV001253976.4), dbSNP rs3214962, ClinGen allele CA65579537.